The following is an entry in ClinVar:

ClinVar aggregate classification (germline): Likely pathogenic (1 of 4 stars; one submission).

Conditions:
Sandhoff disease. Also called: GM2-GANGLIOSIDOSIS, TYPE II; Beta-hexosaminidase-beta-subunit deficiency; GM2 gangliosidosis, type 2; Total hexosaminidase deficiency; Sandhoff-Jatzkewitz-Pilz disease; HEXOSAMINIDASES A AND B DEFICIENCY. Identifiers: Orphanet 796, MedGen C0036161, MONDO:0010006, OMIM 268800.

Submission:

Myriad Genetics, Inc.
Classification: Likely pathogenic for Sandhoff disease. Last evaluated: 2019-10-23. Review status: criteria provided, single submitter. Criteria: Myriad Women's Health Autosomal Recessive and X-Linked Classification Criteria (2019). Collection method: clinical testing. Allele origin: unknown.
Comment: NM_000521.3(HEXB):c.1024G>T(E342*) is expected to be pathogenic in the context of Sandhoff disease. This variant is predicted to lead to an abnormal or absent protein product due to the creation of a premature termination codon in HEXB, a gene where loss-of-function variants are known to be pathogenic. Please note: this variant was assessed in the context of healthy population screening.

NM_000521.4(HEXB):c.1024G>T (p.Glu342Ter)

Gene: HEXB (hexosaminidase subunit beta; plus strand). Cytogenetic location: 5q13.3.
Variant type: single nucleotide variant.
Coding change: c.1024G>T on transcript NM_000521.4 (MANE Select); coding-DNA position 1024, G replaced by T.
Protein change: p.Glu342Ter; replaces glutamic acid 342 with a stop codon.
Molecular consequence: nonsense.
Genome position (GRCh38, 1-based): chr5:74,715,632, G>T. VCF-style: chr5-74715632-G-T. GRCh37 (hg19) VCF-style: chr5-74011457-G-T.
Other names: c.349G>T, p.Glu117Ter (NM_001292004.2); short protein forms E117*, E342*.
Identifiers: ClinVar variation 984365 (VCV000984365.3), dbSNP rs1749651571, ClinGen allele CA360068709.
Genomic context (GRCh38, chr5:74,715,632, plus strand): 5'-ATAAACCCTACTCTGAATACAACATACAGCTTCCTTACTACATTTTTCAAAGAAATTAGT[G>T]AGGTGTTTCCAGATCAATTCATTCATTTGGGAGGAGATGAAGTGGAATTTAAATGTTGGT-3'